The following is an entry in ClinVar:

ClinVar aggregate classification (germline): Benign. Review status: criteria provided, multiple submitters, no conflicts (2 of 4 stars). 13 submissions from 12 submitters: Benign (10). 3 of the submissions do not count toward it. Last evaluated 2026-02-04.

Conditions:
Spinal muscular atrophy-progressive myoclonic epilepsy syndrome. Also called: Hereditary myoclonus and progressive distal muscular atrophy; Spinal Muscular Atrophy with Progressive Myoclonic Epilepsy (SMA-PME); Spinal muscular atrophy with progressive myoclonic epilepsy; MYOCLONUS, HEREDITARY, WITH PROGRESSIVE DISTAL MUSCULAR ATROPHY. Identifiers: Orphanet 2590, MedGen C1834569, MONDO:0008045, OMIM 159950.
Farber lipogranulomatosis (FRBRL). Also called: Farber's lipogranulomatosis; AC DEFICIENCY; ACID CERAMIDASE DEFICIENCY; CERAMIDASE DEFICIENCY; N-LAURYLSPHINGOSINE DEACYLASE DEFICIENCY; Farber's disease. Identifiers: Orphanet 333, MedGen C0268255, MONDO:0009218, OMIM 228000.

Allele frequency attached by ClinVar (database versions not stated): 1000 Genomes Project 30x 0.84619; 1000 Genomes Project 0.85024; TOPMed 0.86206; ESP Exome Variant Server 0.86660; gnomAD 0.87079 and 0.87652; ExAC 0.94309; gnomAD exomes 0.94848 and 0.97656.
gnomAD v4.1: 1,558,656 of 1,612,938 alleles (97%); highest among the groups gnomAD compares: Non-Finnish European, 99%; 758,609 homozygotes.

Submissions (13):

Labcorp Genetics (formerly Invitae), Labcorp
Classification: Benign. Last evaluated: 2026-02-04. Review status: criteria provided, single submitter. Criteria: Invitae Variant Classification Sherloc (09022015). Collection method: clinical testing. Allele origin: germline.

Blueprint Genetics
Classification: Benign. Last evaluated: 2024-11-27. Review status: criteria provided, single submitter. Criteria: ACMG Guidelines, 2015. Collection method: clinical testing. Allele origin: germline.

Fulgent Genetics
Classification: Benign for Spinal muscular atrophy-progressive myoclonic epilepsy syndrome; Farber lipogranulomatosis. Last evaluated: 2022-03-30. Review status: criteria provided, single submitter. Criteria: ACMG Guidelines, 2015. Collection method: clinical testing. Allele origin: unknown.

Genome-Nilou Lab
Classification: Benign for Farber lipogranulomatosis. Last evaluated: 2021-07-14. Review status: criteria provided, single submitter. Criteria: ACMG Guidelines, 2015. Collection method: clinical testing. Allele origin: germline. Affected: no.

Genome-Nilou Lab
Classification: Benign for Spinal muscular atrophy-progressive myoclonic epilepsy syndrome. Last evaluated: 2021-07-14. Review status: criteria provided, single submitter. Criteria: ACMG Guidelines, 2015. Collection method: clinical testing. Allele origin: germline. Affected: no.

GeneDx
Classification: Benign. Last evaluated: 2018-06-19. Review status: criteria provided, single submitter. Criteria: GeneDx Variant Classification (06012015). Collection method: clinical testing. Allele origin: germline. Affected: yes.
Comment: This variant is considered likely benign or benign based on one or more of the following criteria: it is a conservative change, it occurs at a poorly conserved position in the protein, it is predicted to be benign by multiple in silico algorithms, and/or has population frequency not consistent with disease.

Illumina Laboratory Services, Illumina
Classification: Benign for Farber lipogranulomatosis. Last evaluated: 2018-01-13. Review status: criteria provided, single submitter. Criteria: ICSL Variant Classification Criteria 13 December 2019. Collection method: clinical testing. Allele origin: germline.
Comment: This variant was observed in the ICSL laboratory as part of a predisposition screen in an ostensibly healthy population. It had not been previously curated by ICSL or reported in the Human Gene Mutation Database (HGMD: prior to June 1st, 2018), and was therefore a candidate for classification through an automated scoring system. Utilizing variant allele frequency, disease prevalence and penetrance estimates, and inheritance mode, an automated score was calculated to assess if this variant is too frequent to cause the disease. Based on the score and internal cut-off values, a variant classified as benign is not then subjected to further curation. The score for this variant resulted in a classification of benign for this disease.

Laboratory for Molecular Medicine, Mass General Brigham Personalized Medicine
Classification: Benign. Last evaluated: 2016-03-29. Review status: criteria provided, single submitter. Criteria: LMM Criteria. Collection method: clinical testing. Allele origin: germline.
Comment: Variant identified in a genome or exome case(s) and assessed due to predicted null impact of the variant or pathogenic assertions in the literature or databases. Disclaimer: This variant has not undergone full assessment. The following are preliminary notes: 94% of total chromosomes in ExAC

Breakthrough Genomics
Classification: Benign. Review status: criteria provided, single submitter. Criteria: ACMG Guidelines, 2015. Collection method: not provided. Allele origin: germline. Inheritance: Autosomal recessive inheritance. Affected: yes.

PreventionGenetics, part of Exact Sciences
Classification: Benign. Review status: criteria provided, single submitter. Criteria: ACMG Guidelines, 2015. Collection method: clinical testing. Allele origin: germline.

Mayo Clinic Laboratories, Mayo Clinic
Classification: Benign. Last evaluated: 2015-10-22. Review status: no assertion criteria provided. Collection method: clinical testing. Allele origin: unknown. Not counted in ClinVar's aggregate classification.

Clinical Genetics, Academic Medical Center
Classification: Benign. Review status: no assertion criteria provided. Collection method: clinical testing. Allele origin: germline. Affected: yes. Study: VKGL Data-share Consensus. Not counted in ClinVar's aggregate classification.

Diagnostic Laboratory, Department of Genetics, University Medical Center Groningen
Classification: Benign. Review status: no assertion criteria provided. Collection method: clinical testing. Allele origin: germline. Affected: yes. Study: VKGL Data-share Consensus. Not counted in ClinVar's aggregate classification.

NM_177924.5(ASAH1):c.737T>C (p.Val246Ala)

Gene: ASAH1 (N-acylsphingosine amidohydrolase 1; minus strand). Cytogenetic location: 8p22.
Variant type: single nucleotide variant.
Coding change: c.737T>C on transcript NM_177924.5 (MANE Select); coding-DNA position 737, T replaced by C.
Protein change: p.Val246Ala; replaces valine 246 with alanine.
Molecular consequence: missense variant.
Genome position (GRCh38, 1-based): chr8:18,061,425, A>G on the plus strand (T>C on the coding strand, the complement: ASAH1 is on the minus strand). VCF-style: chr8-18061425-A-G. GRCh37 (hg19) VCF-style: chr8-17918934-A-G.
Other names: c.719T>C, p.Val240Ala (NM_001127505.3); c.542T>C, p.Val181Ala (NM_001363743.2); c.785T>C, p.Val262Ala (NM_004315.6); short protein forms V262A, V246A, V240A, V181A.
Identifiers: ClinVar variation 259283 (VCV000259283.29), dbSNP rs10103355, ClinGen allele CA4650694.